The following is an entry in ClinVar:

ClinVar aggregate classification (germline): Likely pathogenic (1 of 4 stars; one submission).

Conditions:
Neuronal ceroid lipofuscinosis. Also called: Neuronal Ceroid Lipofuscinoses. Identifiers: Orphanet 216, Orphanet 79263, MedGen C0027877, MONDO:0016295. Disease mechanism: loss of function.

gnomAD v4.1: 3 of 1,614,032 alleles (0.00019%); highest among the groups gnomAD compares: Non-Finnish European, 0.00025%; no homozygotes.

Submission:

Natera, Inc.
Classification: Likely pathogenic for Neuronal ceroid lipofuscinosis. Last evaluated: 2025-05-14. Review status: criteria provided, single submitter. Criteria: Natera Variant Classification Schema (03/2026). Collection method: clinical testing. Allele origin: germline.
Comment: The c.434G>C variant in CLN5 is a missense variant predicted to cause substitution of arginine to proline at amino acid 145. This variant is rare in the general population with a frequency below the threshold expected for the associated phenotype(s). This variant has been observed in one or more individuals affected with the associated recessive disease, as either homozygous or compound heterozygous with a second variant (PMID: 32983231). Functional studies show that this variant may disrupt protein function (PMID: 32983231). Computational prediction algorithms indicate this variant is likely to affect gene or protein function. Given the available evidence, this variant is classified as Likely Pathogenic.

Literature cited by the submitters: PubMed 32983231.

NM_006493.4(CLN5):c.287G>C (p.Arg96Pro)

Gene: CLN5 (CLN5 lysosomal BMP synthase; plus strand). Cytogenetic location: 13q22.3.
Variant type: single nucleotide variant.
Coding change: c.287G>C on transcript NM_006493.4 (MANE Select); coding-DNA position 287, G replaced by C.
Protein change: p.Arg96Pro; replaces arginine 96 with proline.
Molecular consequence: missense variant.
Genome position (GRCh38, 1-based): chr13:76,995,176, G>C. VCF-style: chr13-76995176-G-C. GRCh37 (hg19) VCF-style: chr13-77569311-G-C.
Other names: c.287G>C, p.Arg96Pro (NM_001366624.2); short protein forms R145P, R96P.
Identifiers: ClinVar variation 4815511 (VCV004815511.1).